The following is an entry in ClinVar:

NM_000526.5(KRT14):c.328C>G (p.Leu110Val)

Gene: KRT14 (keratin 14; minus strand). Cytogenetic location: 17q21.2.
Variant type: single nucleotide variant.
Coding change: c.328C>G on transcript NM_000526.5 (MANE Select); coding-DNA position 328, C replaced by G.
Protein change: p.Leu110Val; replaces leucine 110 with valine.
Molecular consequence: missense variant.
Genome position (GRCh38, 1-based): chr17:41,586,507, G>C on the plus strand (C>G on the coding strand, the complement: KRT14 is on the minus strand). VCF-style: chr17-41586507-G-C. GRCh37 (hg19) VCF-style: chr17-39742759-G-C.
Other names: short protein forms L110V.
Identifiers: ClinVar variation 3015323 (VCV003015323.3), dbSNP rs748396111, ClinGen allele CA8562740.

ClinVar aggregate classification (germline): Uncertain significance (1 of 4 stars; one submission).

Allele frequency attached by ClinVar (database versions not stated): ExAC 0.00001; gnomAD 0.00001; TOPMed 0.00002; gnomAD exomes 0.00005.
gnomAD v4.1: 78 of 1,613,994 alleles (0.0048%); highest among the groups gnomAD compares: Non-Finnish European, 0.0066%; no homozygotes.

Submission:

Labcorp Genetics (formerly Invitae), Labcorp
Classification: Uncertain significance. Last evaluated: 2022-11-18. Review status: criteria provided, single submitter. Criteria: Invitae Variant Classification Sherloc (09022015). Collection method: clinical testing. Allele origin: germline.
Comment: This sequence change replaces leucine, which is neutral and non-polar, with valine, which is neutral and non-polar, at codon 110 of the KRT14 protein (p.Leu110Val). This variant is present in population databases (rs748396111, gnomAD 0.003%). In summary, the available evidence is currently insufficient to determine the role of this variant in disease. Therefore, it has been classified as a Variant of Uncertain Significance. Advanced modeling of protein sequence and biophysical properties (such as structural, functional, and spatial information, amino acid conservation, physicochemical variation, residue mobility, and thermodynamic stability) performed at Invitae indicates that this missense variant is not expected to disrupt KRT14 protein function. This variant has not been reported in the literature in individuals affected with KRT14-related conditions.